The following is an entry in ClinVar:

NM_181486.4(TBX5):c.*909A>G

Gene: TBX5 (T-box transcription factor 5; minus strand). Cytogenetic location: 12q24.21.
Variant type: single nucleotide variant.
Coding change: c.*909A>G on transcript NM_181486.4 (MANE Select); 909 bases downstream of the stop codon, A replaced by G.
Molecular consequence: 3 prime UTR variant.
Genome position (GRCh38, 1-based): chr12:114,354,623, T>C on the plus strand (A>G on the coding strand, the complement: TBX5 is on the minus strand). VCF-style: chr12-114354623-T-C. GRCh37 (hg19) VCF-style: chr12-114792428-T-C.
Other names: c.*909A>G (NM_000192.3, NM_080717.4).
Identifiers: ClinVar variation 307278 (VCV000307278.5), dbSNP rs184360838, ClinGen allele CA10641001.
Genomic context (GRCh38, chr12:114,354,623, plus strand): 5'-CTGGCCTTGTTTTTTTCAAAAAAAATTTTTTTAATCAGGAAGAATATTTATTTTGGCTTT[T>C]TGTCCACAACTCTTGTCAACACAGAGCTTGCACTGTTATCACAGTCCTGCCTACATGTAA-3'

ClinVar aggregate classification (germline): Benign (1 of 4 stars; one submission).

Conditions:
Holt-Oram syndrome (HOS). Also called: Ventriculo-radial syndrome; Cardiac-limb syndrome; Heart-hand syndrome, type 1; TBX5-Related Holt-Oram Syndrome. Identifiers: Orphanet 392, MedGen C0265264, MONDO:0007732, OMIM 142900.

Allele frequency attached by ClinVar (database versions not stated): 1000 Genomes Project 30x 0.00219; TOPMed 0.00153; gnomAD 0.00190 and 0.00191; 1000 Genomes Project 0.00240; gnomAD exomes 0.00467.
gnomAD v4.1: 291 of 152,774 alleles (0.19%); highest among the groups gnomAD compares: Admixed American, 0.3%; 2 homozygotes.

Submission:

Illumina Laboratory Services, Illumina
Classification: Benign for Holt-Oram syndrome. Last evaluated: 2018-01-13. Review status: criteria provided, single submitter. Criteria: ICSL Variant Classification Criteria 13 December 2019. Collection method: clinical testing. Allele origin: germline.
Comment: This variant was observed in the ICSL laboratory as part of a predisposition screen in an ostensibly healthy population. It had not been previously curated by ICSL or reported in the Human Gene Mutation Database (HGMD: prior to June 1st, 2018), and was therefore a candidate for classification through an automated scoring system. Utilizing variant allele frequency, disease prevalence and penetrance estimates, and inheritance mode, an automated score was calculated to assess if this variant is too frequent to cause the disease. Based on the score and internal cut-off values, a variant classified as benign is not then subjected to further curation. The score for this variant resulted in a classification of benign for this disease.